The following is an entry in ClinVar:

ClinVar aggregate classification (germline): Benign (1 of 4 stars; one submission).

Allele frequency attached by ClinVar (database versions not stated): gnomAD 0.03926 and 0.04031; TOPMed 0.04512; 1000 Genomes Project 0.06230; 1000 Genomes Project 30x 0.06433.
gnomAD v4.1: 6,085 of 151,766 alleles (4%); highest among the groups gnomAD compares: East Asian, 15%; 228 homozygotes.

Submission:

GeneDx
Classification: Benign. Last evaluated: 2018-06-19. Review status: criteria provided, single submitter. Criteria: GeneDx Variant Classification (06012015). Collection method: clinical testing. Allele origin: germline. Affected: yes.
Comment: This variant is considered likely benign or benign based on one or more of the following criteria: it is a conservative change, it occurs at a poorly conserved position in the protein, it is predicted to be benign by multiple in silico algorithms, and/or has population frequency not consistent with disease.

NM_000350.3(ABCA4):c.66+234A>G

Gene: ABCA4 (ATP binding cassette subfamily A member 4; minus strand). Cytogenetic location: 1p22.1.
Variant type: single nucleotide variant.
Coding change: c.66+234A>G on transcript NM_000350.3 (MANE Select); 234 bases into the intron after coding-DNA position 66, A replaced by G.
Molecular consequence: intron variant.
Genome position (GRCh38, 1-based): chr1:94,120,746, T>C on the plus strand (A>G on the coding strand, the complement: ABCA4 is on the minus strand). VCF-style: chr1-94120746-T-C. GRCh37 (hg19) VCF-style: chr1-94586302-T-C.
Identifiers: ClinVar variation 678872 (VCV000678872.1), dbSNP rs3789450, ClinGen allele CA10925387.